The following is an entry in ClinVar:

NM_000488.4(SERPINC1):c.1219-8A>G

Gene: SERPINC1 (serpin family C member 1; minus strand). Cytogenetic location: 1q25.1.
Variant type: single nucleotide variant.
Coding change: c.1219-8A>G on transcript NM_000488.4 (MANE Select); 8 bases into the intron before coding-DNA position 1219, A replaced by G.
Molecular consequence: intron variant.
Genome position (GRCh38, 1-based): chr1:173,904,073, T>C on the plus strand (A>G on the coding strand, the complement: SERPINC1 is on the minus strand). VCF-style: chr1-173904073-T-C. GRCh37 (hg19) VCF-style: chr1-173873211-T-C.
Other names: c.1300-8A>G (NM_001386303.1); c.1003-8A>G (NM_001386306.1); c.1198-8A>G (NM_001386304.1); c.1162-8A>G (NM_001386305.1); c.1342-8A>G (NM_001386302.1); c.1075-8A>G (NM_001365052.2).
Identifiers: ClinVar variation 1954374 (VCV001954374.6), dbSNP rs2526543578, ClinGen allele CA2580061384.

ClinVar aggregate classification (germline): Uncertain significance. Review status: reviewed by expert panel (3 of 4 stars). 2 submissions from 2 submitters: Uncertain significance (1). 1 of the submissions does not count toward it. Last evaluated 2024-02-19.

Conditions:
Hereditary antithrombin deficiency (AT3D). Also called: Reduced antithrombin III activity; Antithrombin III deficiency; Thrombophilia due to antithrombin III deficiency; Antithrombin deficiency. Identifiers: Orphanet 82, MedGen C0272375, MONDO:0013144, OMIM 613118, HP:0001976.

Submissions (2):

Clingen Thrombosis Variant Curation Expert Panel, ClinGen
Classification: Uncertain significance for Hereditary antithrombin deficiency. Last evaluated: 2024-02-19. Review status: reviewed by expert panel. Criteria: ClinGen ACMG Specifications SERPINC1 V1.0.0. Collection method: curation. Allele origin: germline. Inheritance: Autosomal dominant inheritance.
Comment: The c.1219-8A>G (NM_000488.4) variant in SERPINC1 does not code for protein sequence. SpliceAI predicts no splicing impact for this variant meeting BP4. The variant is not predicted to cause a splicing impact and the nucleotide is weakly/moderately conserved with a PhyloP score of -0.864 and a PhastCons score of 0 meeting BP7 criteria (PhyloP < 0.1). In summary, this variant meets criteria to be classified as variant of uncertain significance. ACMG/AMP criteria applied, as specified by the Thrombosis Variant Curation Expert Panel for SERPINC1: BP4, BP7, PM2_Supporting.

Labcorp Genetics (formerly Invitae), Labcorp
Classification: Likely benign for Hereditary antithrombin deficiency. Last evaluated: 2022-02-04. Review status: criteria provided, single submitter. Criteria: Invitae Variant Classification Sherloc (09022015). Collection method: clinical testing. Allele origin: germline. Not counted in ClinVar's aggregate classification.